The following is an entry in ClinVar:

ClinVar aggregate classification (germline): Pathogenic (1 of 4 stars; one submission).

Conditions:
Fabry disease. Also called: ALPHA-GALACTOSIDASE A DEFICIENCY; ANDERSON-FABRY DISEASE; CERAMIDE TRIHEXOSIDASE DEFICIENCY; GLA DEFICIENCY; HEREDITARY DYSTOPIC LIPIDOSIS; Angiokeratoma corporis diffusum. Identifiers: Orphanet 324, MedGen C0002986, MONDO:0010526, OMIM 301500, HP:0001071. Disease mechanism: Fabry disease is due to inactivating mutations in the X-linked GLA gene resulting in deficiency of the enzyme Alpha Galactosidase-A., loss of function.

Submission:

Genomenon, Inc
Classification: Pathogenic for Fabry disease. Last evaluated: 2026-09-08. Review status: criteria provided, single submitter. Criteria: Genomenon Sequence Variant Interpretation Standards - Updated. Collection method: curation. Allele origin: germline. Affected: yes.
Comment: GLA p.Thr385Pro (c.1153A>C) is a missense variant that changes the amino acid at codon 385 from Threonine to Proline. This variant has been observed in at least one proband with clinical features consistent with Fabry disease (PMID:14717955;28988177;12175777). The variant was found to segregate with disease in at least one affected family (PMID:14717955). At least one functional study has demonstrated a substantial alteration in protein function relative to the wild-type (PMID:27657681). It is absent or not present at a significant frequency in gnomAD. In silico models predict that this variant is possibly or probably damaging. In conclusion, we classify GLA p.Thr385Pro (c.1153A>C) as a pathogenic variant.

Literature cited by the submitters: PubMed 14717955; PubMed 28988177; PubMed 12175777; PubMed 27657681.

NM_000169.3(GLA):c.1153A>C (p.Thr385Pro)

Genes: GLA (galactosidase alpha; minus strand), RPL36A-HNRNPH2 (RPL36A-HNRNPH2 readthrough; plus strand). Cytogenetic location: Xq22.1.
Variant type: single nucleotide variant.
Coding change: c.1153A>C on transcript NM_000169.3 (MANE Select); coding-DNA position 1153, A replaced by C.
Protein change: p.Thr385Pro; replaces threonine 385 with proline.
Molecular consequence: missense variant. On other transcripts: non-coding transcript variant (3), intron variant (2).
Genome position (GRCh38, 1-based): chrX:101,397,946, T>G on the plus strand (A>C on the coding strand, the complement: GLA is on the minus strand). VCF-style: chrX-101397946-T-G. GRCh37 (hg19) VCF-style: chrX-100652934-T-G.
Other names: c.1276A>C, p.Thr426Pro (NM_001406747.1); c.300+2489T>G (NM_001199973.2); c.177+6124T>G (NM_001199974.2); short protein forms T385P, T426P.
Identifiers: ClinVar variation 4087650 (VCV004087650.2).